The following is an entry in ClinVar:

NM_198060.4(NRAP):c.621G>A (p.Val207=)

Gene: NRAP (nebulin related anchoring protein; minus strand). Cytogenetic location: 10q25.3.
Variant type: single nucleotide variant.
Coding change: c.621G>A on transcript NM_198060.4 (MANE Select); coding-DNA position 621, G replaced by A.
Protein change: p.Val207=; no amino-acid change (valine 207 retained).
Molecular consequence: synonymous variant.
Genome position (GRCh38, 1-based): chr10:113,651,857, C>T on the plus strand (G>A on the coding strand, the complement: NRAP is on the minus strand). VCF-style: chr10-113651857-C-T. GRCh37 (hg19) VCF-style: chr10-115411616-C-T.
Other names: c.621G>A, p.Val207= (NM_001261463.2, NM_001322945.2, NM_006175.5).
Identifiers: ClinVar variation 3040581 (VCV003040581.2), dbSNP rs1157202473, ClinGen allele CA471520025.

ClinVar aggregate classification (germline): Likely benign (0 of 4 stars; one submission).

Conditions:
NRAP-related disorder. Also called: NRAP-related condition.

Allele frequency attached by ClinVar (database versions not stated): gnomAD exomes below 0.00001; gnomAD 0.00001; TOPMed 0.00001.
gnomAD v4.1: 6 of 1,613,352 alleles (0.00037%); highest among the groups gnomAD compares: Admixed American, 0.005%; no homozygotes.

Submission:

PreventionGenetics, part of Exact Sciences
Classification: Likely benign for NRAP-related condition. Last evaluated: 2019-09-17. Review status: no assertion criteria provided. Collection method: clinical testing. Allele origin: germline.
Comment: This variant is classified as likely benign based on ACMG/AMP sequence variant interpretation guidelines (Richards et al. 2015 PMID: 25741868, with internal and published modifications).